The following is an entry in ClinVar:

ClinVar aggregate classification (germline): Likely pathogenic (1 of 4 stars; one submission).

Submission:

Labcorp Genetics (formerly Invitae), Labcorp
Classification: Likely pathogenic. Last evaluated: 2022-10-17. Review status: criteria provided, single submitter. Criteria: Invitae Variant Classification Sherloc (09022015). Collection method: clinical testing. Allele origin: germline.
Comment: In summary, the currently available evidence indicates that the variant is pathogenic, but additional data are needed to prove that conclusively. Therefore, this variant has been classified as Likely Pathogenic. Advanced modeling of protein sequence and biophysical properties (such as structural, functional, and spatial information, amino acid conservation, physicochemical variation, residue mobility, and thermodynamic stability) performed at Invitae indicates that this missense variant is not expected to disrupt ACAN protein function. This missense change has been observed in individual(s) with clinical features of short stature (Invitae). In at least one individual the variant was observed to be de novo. This variant is not present in population databases (gnomAD no frequency). This sequence change replaces tyrosine, which is neutral and polar, with asparagine, which is neutral and polar, at codon 109 of the ACAN protein (p.Tyr109Asn).

NM_001369268.1(ACAN):c.325T>A (p.Tyr109Asn)

Gene: ACAN (aggrecan; plus strand). Cytogenetic location: 15q26.1.
Variant type: single nucleotide variant.
Coding change: c.325T>A on transcript NM_001369268.1 (MANE Select); coding-DNA position 325, T replaced by A.
Protein change: p.Tyr109Asn; replaces tyrosine 109 with asparagine.
Molecular consequence: missense variant.
Genome position (GRCh38, 1-based): chr15:88,838,917, T>A. VCF-style: chr15-88838917-T-A. GRCh37 (hg19) VCF-style: chr15-89382148-T-A.
Other names: c.325T>A, p.Tyr109Asn (NM_001135.4, NM_001411096.1, NM_001411097.1 and 1 more transcripts); short protein forms Y109N.
Identifiers: ClinVar variation 2103405 (VCV002103405.4), dbSNP rs2505222846, ClinGen allele CA393715208.
Genomic context (GRCh38, chr15:88,838,917, plus strand): 5'-GCCACTGAAGGGCGCGTGCGGGTCAACAGTGCCTATCAGGACAAGGTCTCACTGCCCAAC[T>A]ACCCGGCCATCCCCAGTGACGCCACCTTGGAAGTCCAGAGCCTGCGCTCCAATGACTCTG-3'
Protein context (NP_001356197.1, residues 99-119): AYQDKVSLPN[Tyr109Asn]PAIPSDATLE